The following is an entry in ClinVar:

NM_004239.4(TRIP11):c.349C>T (p.Leu117Phe)

Gene: TRIP11 (thyroid hormone receptor interactor 11; minus strand). Cytogenetic location: 14q32.12.
Variant type: single nucleotide variant.
Coding change: c.349C>T on transcript NM_004239.4 (MANE Select); coding-DNA position 349, C replaced by T.
Protein change: p.Leu117Phe; replaces leucine 117 with phenylalanine.
Molecular consequence: missense variant.
Genome position (GRCh38, 1-based): chr14:92,021,795, G>A on the plus strand (C>T on the coding strand, the complement: TRIP11 is on the minus strand). VCF-style: chr14-92021795-G-A. GRCh37 (hg19) VCF-style: chr14-92488139-G-A.
Other names: c.349C>T (NM_004239.3); c.346C>T, p.Leu116Phe (NM_001321851.1); short protein forms L116F, L117F.
Identifiers: ClinVar variation 2051062 (VCV002051062.5), dbSNP rs772739780, ClinGen allele CA7314205.

ClinVar aggregate classification (germline): Uncertain significance. Review status: criteria provided, multiple submitters, no conflicts (2 of 4 stars). 2 submissions from 2 submitters: Uncertain significance (2). Last evaluated 2025-03-10.

Conditions:
Inborn genetic diseases. Identifiers: MedGen C0950123, MeSH D030342.
Achondrogenesis, type IA (ACG1A). Identifiers: Orphanet 932, Orphanet 93299, MedGen C0265273, MONDO:0008701, OMIM 200600.

Allele frequency attached by ClinVar (database versions not stated): gnomAD exomes below 0.00001; ExAC 0.00001; gnomAD 0.00003; TOPMed 0.00003.
gnomAD v4.1: 13 of 1,614,024 alleles (0.00081%); highest among the groups gnomAD compares: Admixed American, 0.01%; no homozygotes.

Submissions (2):

Ambry Genetics
Classification: Uncertain significance for Inborn genetic diseases. Last evaluated: 2025-03-10. Review status: criteria provided, single submitter. Criteria: Ambry Variant Classification Scheme 2023. Collection method: clinical testing. Allele origin: germline.

Labcorp Genetics (formerly Invitae), Labcorp
Classification: Uncertain significance for Achondrogenesis, type IA. Last evaluated: 2024-02-24. Review status: criteria provided, single submitter. Criteria: Invitae Variant Classification Sherloc (09022015). Collection method: clinical testing. Allele origin: germline.
Comment: This sequence change replaces leucine, which is neutral and non-polar, with phenylalanine, which is neutral and non-polar, at codon 117 of the TRIP11 protein (p.Leu117Phe). This variant is present in population databases (rs772739780, gnomAD 0.003%). This variant has not been reported in the literature in individuals affected with TRIP11-related conditions. ClinVar contains an entry for this variant (Variation ID: 2051062). Advanced modeling of protein sequence and biophysical properties (such as structural, functional, and spatial information, amino acid conservation, physicochemical variation, residue mobility, and thermodynamic stability) performed at Invitae indicates that this missense variant is not expected to disrupt TRIP11 protein function with a negative predictive value of 80%. In summary, the available evidence is currently insufficient to determine the role of this variant in disease. Therefore, it has been classified as a Variant of Uncertain Significance.